The following is an entry in ClinVar:

NM_001267550.2(TTN):c.76987G>A (p.Asp25663Asn)

Genes: TTN (titin; minus strand), TTN-AS1 (TTN antisense RNA 1; plus strand). Cytogenetic location: 2q31.2.
Variant type: single nucleotide variant.
Coding change: c.76987G>A on transcript NM_001267550.2 (MANE Select); coding-DNA position 76987, G replaced by A.
Protein change: p.Asp25663Asn; replaces aspartic acid 25663 with asparagine.
Molecular consequence: missense variant.
Genome position (GRCh38, 1-based): chr2:178,569,145, C>T on the plus strand (G>A on the coding strand, the complement: TTN is on the minus strand). VCF-style: chr2-178569145-C-T. GRCh37 (hg19) VCF-style: chr2-179433872-C-T.
Other names: p.D24022N:GAT>AAT; c.49792G>A, p.Asp16598Asn (NM_003319.4); c.69283G>A, p.Asp23095Asn (NM_133378.4); c.50167G>A, p.Asp16723Asn (NM_133432.3); c.50368G>A, p.Asp16790Asn (NM_133437.4); c.72064G>A, p.Asp24022Asn (NM_001256850.1); short protein forms D23095N, D25663N, D24022N, D16723N, D16598N, D16790N.
Identifiers: ClinVar variation 192154 (VCV000192154.27), dbSNP rs143186270, ClinGen allele CA302614.

ClinVar aggregate classification (germline): Conflicting classifications of pathogenicity. Review status: criteria provided, conflicting classifications (1 of 4 stars). 11 submissions from 11 submitters: Uncertain significance (2); Likely benign (8). 1 of the submissions does not count toward it. Last evaluated 2026-01-13.

Conditions:
Cardiovascular phenotype. Identifiers: MedGen CN230736.
TTN-related disorder. Also called: TTN-related condition; TTN-related disease; TTN-related disorders.
Autosomal recessive limb-girdle muscular dystrophy type 2J (LGMDR10). Also called: Limb-girdle muscular dystrophy, type 2J; MUSCULAR DYSTROPHY, LIMB-GIRDLE, AUTOSOMAL RECESSIVE 10. Identifiers: Orphanet 140922, MedGen C1837342, MONDO:0012127, OMIM 608807.
Dilated cardiomyopathy 1G (CMD1G). Identifiers: Orphanet 154, MedGen C1858763, MONDO:0011400, OMIM 604145.

Allele frequency attached by ClinVar (database versions not stated): 1000 Genomes Project 30x 0.00016; 1000 Genomes Project 0.00020; gnomAD 0.00034 and 0.00037; TOPMed 0.00037; ESP Exome Variant Server 0.00041.

Submissions (11):

Labcorp Genetics (formerly Invitae), Labcorp
Classification: Likely benign for Dilated cardiomyopathy 1G; Autosomal recessive limb-girdle muscular dystrophy type 2J. Last evaluated: 2026-01-13. Review status: criteria provided, single submitter. Criteria: Invitae Variant Classification Sherloc (09022015). Collection method: clinical testing. Allele origin: germline.

Molecular Diagnostic Laboratory for Inherited Cardiovascular Disease, Montreal Heart Institute
Classification: Likely benign. Last evaluated: 2025-04-09. Review status: criteria provided, single submitter. Criteria: ACMG Guidelines, 2015. Collection method: clinical testing. Allele origin: germline. Affected: no.
Comment: BS1;BP1

Blueprint Genetics
Classification: Likely benign. Last evaluated: 2024-08-07. Review status: criteria provided, single submitter. Criteria: ACMG Guidelines, 2015. Collection method: clinical testing. Allele origin: germline.

Women's Health and Genetics/Laboratory Corporation of America, LabCorp
Classification: Likely benign. Last evaluated: 2023-11-20. Review status: criteria provided, single submitter. Criteria: LabCorp Variant Classification Summary - May 2015. Collection method: clinical testing. Allele origin: germline.
Comment: Variant summary: TTN c.69283G>A (p.Asp23095Asn) results in a conservative amino acid change located in the A-band region of the encoded protein sequence. Three of five in-silico tools predict a benign effect of the variant on protein function. The variant allele was found at a frequency of 0.0001 in 248306 control chromosomes, predominantly at a frequency of 0.00084 within the African or African-American subpopulation in the gnomAD database. The observed variant frequency within African or African-American control individuals in the gnomAD database is approximately 2-fold of the estimated maximal expected allele frequency for a pathogenic variant in TTN causing Dilated Cardiomyopathy phenotype (0.00039), strongly suggesting that the variant is a benign polymorphism found primarily in populations of African or African-American origin. To our knowledge, no occurrence of c.69283G>A in individuals affected with Dilated Cardiomyopathy and no experimental evidence demonstrating its impact on protein function have been reported. Six submitters have cited clinical-significance assessments for this variant to ClinVar after 2014. Multiple submitters reported the variant with conflicting assessments (likely benign, n = 4; uncertain significance, n = 2). Based on the evidence outlined above, the variant was classified as likely benign.

Revvity Omics, Revvity
Classification: Uncertain significance. Last evaluated: 2022-01-25. Review status: criteria provided, single submitter. Criteria: ACMG Guidelines, 2015. Collection method: clinical testing. Allele origin: germline.

Ambry Genetics
Classification: Likely benign for Cardiovascular phenotype. Last evaluated: 2020-06-10. Review status: criteria provided, single submitter. Criteria: Ambry Autosomal Dominant and X-Linked criteria (2/2020). Collection method: clinical testing. Allele origin: germline. Observed: 1 variant allele.
Comment: In silico models in agreement (benign);Subpopulation frequency in support of benign classification

Athena Diagnostics
Classification: Likely benign. Last evaluated: 2018-10-30. Review status: criteria provided, single submitter. Criteria: Athena Diagnostics Criteria. Collection method: clinical testing. Allele origin: germline.

GeneDx
Classification: Likely benign. Last evaluated: 2017-12-08. Review status: criteria provided, single submitter. Criteria: GeneDx Variant Classification (06012015). Collection method: clinical testing. Allele origin: germline. Affected: yes.
Comment: This variant is considered likely benign or benign based on one or more of the following criteria: it is a conservative change, it occurs at a poorly conserved position in the protein, it is predicted to be benign by multiple in silico algorithms, and/or has population frequency not consistent with disease.

Eurofins Ntd Llc (ga)
Classification: Uncertain significance. Last evaluated: 2015-06-11. Review status: criteria provided, single submitter. Criteria: EGL Classification Definitions 2015. Collection method: clinical testing. Allele origin: germline. Observed: 2 variant alleles, 2 heterozygotes.

Biesecker Lab/Clinical Genomics Section, National Institutes of Health
Classification: Likely benign. Last evaluated: 2013-06-24. Review status: criteria provided, single submitter. Criteria: Ng et al. (Circ Cardiovasc Genet. 2013). Collection method: research. Allele origin: unknown. Observed: 1 variant allele. Study: ClinSeq.
Comment: The study set was not selected for affection status in relation to any cancer. Pathogenicity categories were based on literature curation. See Pubmed ID:23861362 for details.

Medical sequencing

PreventionGenetics, part of Exact Sciences
Classification: Likely benign for TTN-related condition. Last evaluated: 2024-03-13. Review status: no assertion criteria provided. Collection method: clinical testing. Allele origin: germline. Not counted in ClinVar's aggregate classification.
Comment: This variant is classified as likely benign based on ACMG/AMP sequence variant interpretation guidelines (Richards et al. 2015 PMID: 25741868, with internal and published modifications).